The following is an entry in ClinVar:

ClinVar aggregate classification (germline): Uncertain significance (1 of 4 stars; one submission).

gnomAD v4.1: 2 of 1,574,098 alleles (0.00013%); highest among the groups gnomAD compares: Non-Finnish European, 0.00017%; no homozygotes.

Submission:

GeneDx
Classification: Uncertain significance. Last evaluated: 2023-03-02. Review status: criteria provided, single submitter. Criteria: GeneDx Variant Classification Process June 2021. Collection method: clinical testing. Allele origin: germline. Affected: yes.
Comment: Not observed at significant frequency in large population cohorts (gnomAD); In silico analysis supports that this missense variant does not alter protein structure/function; Has not been previously published as pathogenic or benign to our knowledge

NM_001371928.1(AHDC1):c.3111C>A (p.Phe1037Leu)

Gene: AHDC1 (AT-hook DNA binding motif containing 1; minus strand). Cytogenetic location: 1p36.11.
Variant type: single nucleotide variant.
Coding change: c.3111C>A on transcript NM_001371928.1 (MANE Select); coding-DNA position 3111, C replaced by A.
Protein change: p.Phe1037Leu; replaces phenylalanine 1037 with leucine.
Molecular consequence: missense variant.
Genome position (GRCh38, 1-based): chr1:27,549,005, G>T on the plus strand (C>A on the coding strand, the complement: AHDC1 is on the minus strand). VCF-style: chr1-27549005-G-T. GRCh37 (hg19) VCF-style: chr1-27875516-G-T.
Other names: c.3111C>A, p.Phe1037Leu (NM_001029882.3); short protein forms F1037L.
Identifiers: ClinVar variation 2578188 (VCV002578188.1), dbSNP rs1389544172, ClinGen allele CA339228265.
Genomic context (GRCh38, chr1:27,549,005, plus strand): 5'-GTCACAGCGCAGGGGCGTGGGGGCTGAACCAGAGAAGGGGGCCCCCTCAGAGCTGCTGAA[G>T]AAGGAGGCCTTGCTTGGTGGCAGGCAGGGGCCCCCGGTAGGCGGTGGGGCATAGCCGGCG-3'
Protein context (NP_001358857.1, residues 1027-1047): GPCLPPSKAS[Phe1037Leu]FSSSEGAPFS